The following is an entry in ClinVar:

ClinVar aggregate classification (germline): Uncertain significance (1 of 4 stars; one submission).

gnomAD v4.1: 3 of 1,614,080 alleles (0.00019%); highest among the groups gnomAD compares: African/African-American, 0.0027%; no homozygotes.

Submission:

Labcorp Genetics (formerly Invitae), Labcorp
Classification: Uncertain significance. Last evaluated: 2024-06-12. Review status: criteria provided, single submitter. Criteria: Invitae Variant Classification Sherloc (09022015). Collection method: clinical testing. Allele origin: germline.
Comment: This sequence change replaces proline, which is neutral and non-polar, with serine, which is neutral and polar, at codon 888 of the ADCY10 protein (p.Pro888Ser). This variant is not present in population databases (gnomAD no frequency). This variant has not been reported in the literature in individuals affected with ADCY10-related conditions. Algorithms developed to predict the effect of missense changes on protein structure and function output the following: SIFT: "Not Available"; PolyPhen-2: "Benign"; Align-GVGD: "Not Available". The serine amino acid residue is found in multiple mammalian species, which suggests that this missense change does not adversely affect protein function. In summary, the available evidence is currently insufficient to determine the role of this variant in disease. Therefore, it has been classified as a Variant of Uncertain Significance.

NM_018417.6(ADCY10):c.2662C>T (p.Pro888Ser)

Gene: ADCY10 (adenylate cyclase 10; minus strand). Cytogenetic location: 1q24.2.
Variant type: single nucleotide variant.
Coding change: c.2662C>T on transcript NM_018417.6 (MANE Select); coding-DNA position 2662, C replaced by T.
Protein change: p.Pro888Ser; replaces proline 888 with serine.
Molecular consequence: missense variant.
Genome position (GRCh38, 1-based): chr1:167,846,039, G>A on the plus strand (C>T on the coding strand, the complement: ADCY10 is on the minus strand). VCF-style: chr1-167846039-G-A. GRCh37 (hg19) VCF-style: chr1-167815277-G-A.
Other names: c.2203C>T, p.Pro735Ser (NM_001167749.3); c.2386C>T, p.Pro796Ser (NM_001297772.2); short protein forms P888S, P735S, P796S.
Identifiers: ClinVar variation 3632632 (VCV003632632.2).
Genomic context (GRCh38, chr1:167,846,039, plus strand): 5'-ACTCACCCATCCCTTCACTGGGCTTCAGAGACAAGGAACGATAGTGCACCTCAAATGAGG[G>A]ATCATTCTGTTTCAGGGCCTTTTGAAGCTCCTTGCCATTCCGGAAACAATAAAAAATGTT-3'
Protein context (NP_060887.2, residues 878-898): ELQKALKQND[Pro888Ser]SFEVHYRSLS